The following is an entry in ClinVar:

ClinVar aggregate classification (germline): Uncertain significance (1 of 4 stars; one submission).

Submission:

CeGaT Center for Human Genetics Tuebingen
Classification: Uncertain significance. Last evaluated: 2025-06-01. Review status: criteria provided, single submitter. Criteria: CeGaT Center For Human Genetics Tuebingen Variant Classification Criteria Version 2. Collection method: clinical testing. Allele origin: germline. Affected: yes. Observed: 1 variant allele.
Comment: THPO: PM2, BP4

NM_000460.4(THPO):c.1031C>T (p.Thr344Ile)

Gene: THPO (thrombopoietin; minus strand). Cytogenetic location: 3q27.1.
Variant type: single nucleotide variant.
Coding change: c.1031C>T on transcript NM_000460.4 (MANE Select); coding-DNA position 1031, C replaced by T.
Protein change: p.Thr344Ile; replaces threonine 344 with isoleucine.
Molecular consequence: missense variant. On other transcripts: 3 prime UTR variant (4).
Genome position (GRCh38, 1-based): chr3:184,372,544, G>A on the plus strand (C>T on the coding strand, the complement: THPO is on the minus strand). VCF-style: chr3-184372544-G-A. GRCh37 (hg19) VCF-style: chr3-184090332-G-A.
Other names: c.1019C>T, p.Thr340Ile (NM_001177597.2, NM_001290022.1); c.*54C>T (NM_001177598.2, NM_001289997.1, NM_001290026.1 and 1 more transcripts); c.1031C>T, p.Thr344Ile (NM_001289998.1, NM_001290028.1); c.1451C>T, p.Thr484Ile (NM_001290003.1); short protein forms T340I, T344I, T484I.
Identifiers: ClinVar variation 4085292 (VCV004085292.8).